The following is an entry in ClinVar:

NM_000038.6(APC):c.1930A>G (p.Ser644Gly)

Gene: APC (APC regulator of Wnt signaling pathway; plus strand). Cytogenetic location: 5q22.2.
Variant type: single nucleotide variant.
Coding change: c.1930A>G on transcript NM_000038.6 (MANE Select); coding-DNA position 1930, A replaced by G.
Protein change: p.Ser644Gly; replaces serine 644 with glycine.
Molecular consequence: missense variant.
Genome position (GRCh38, 1-based): chr5:112,835,137, A>G. VCF-style: chr5-112835137-A-G. GRCh37 (hg19) VCF-style: chr5-112170834-A-G.
Other names: c.1930A>G, p.Ser644Gly (NM_001127510.3, NM_001354895.2, NM_001407450.1); c.1876A>G, p.Ser626Gly (NM_001127511.3); c.1984A>G, p.Ser662Gly (NM_001354896.2, NM_001407447.1, NM_001407448.1 and 1 more transcripts); c.1960A>G, p.Ser654Gly (NM_001354897.2); c.1855A>G, p.Ser619Gly (NM_001354898.2); c.1846A>G, p.Ser616Gly (NM_001354899.2); c.1807A>G, p.Ser603Gly (NM_001354900.2); c.1753A>G, p.Ser585Gly (NM_001354901.2, NM_001407453.1); and 11 more; short protein forms S518G, S543G, S634G, S260G, S484G, S585G, S603G, S619G.
Identifiers: ClinVar variation 1782878 (VCV001782878.4), dbSNP rs1764738895, ClinGen allele CA16025531.

ClinVar aggregate classification (germline): Uncertain significance. Review status: criteria provided, multiple submitters, no conflicts (2 of 4 stars). 3 submissions from 3 submitters: Uncertain significance (3). Last evaluated 2025-09-24.

Conditions:
Classic or attenuated familial adenomatous polyposis. Identifiers: MedGen CN372698, MONDO:0021057.
Hereditary cancer-predisposing syndrome. Also called: Neoplastic Syndromes, Hereditary; Tumor predisposition; Hereditary Cancer Syndrome; Hereditary neoplastic syndrome. Identifiers: Orphanet 140162, MedGen C0027672, MeSH D009386, MONDO:0015356.
Familial adenomatous polyposis 1 (FAP1). Also called: FAMILIAL ADENOMATOUS POLYPOSIS 1, ATTENUATED; POLYPOSIS, ADENOMATOUS INTESTINAL. Identifiers: MedGen C2713442, MONDO:0021056, OMIM 175100. Disease mechanism: loss of function.

Allele frequency attached by ClinVar (database versions not stated): gnomAD exomes below 0.00001; TOPMed below 0.00001.
gnomAD v4.1: 1 of 1,614,118 alleles (0.000062%); highest among the groups gnomAD compares: African/African-American, 0.0013%; no homozygotes.

Submissions (3):

Labcorp Genetics (formerly Invitae), Labcorp
Classification: Uncertain significance for Familial adenomatous polyposis 1. Last evaluated: 2025-09-24. Review status: criteria provided, single submitter. Criteria: Invitae Variant Classification Sherloc (09022015). Collection method: clinical testing. Allele origin: germline.
Comment: This sequence change replaces serine, which is neutral and polar, with glycine, which is neutral and non-polar, at codon 644 of the APC protein (p.Ser644Gly). This variant is not present in population databases (gnomAD no frequency). This variant has not been reported in the literature in individuals affected with APC-related conditions. ClinVar contains an entry for this variant (Variation ID: 1782878). Invitae Evidence Modeling of protein sequence and biophysical properties (such as structural, functional, and spatial information, amino acid conservation, physicochemical variation, residue mobility, and thermodynamic stability) indicates that this missense variant is not expected to disrupt APC protein function with a negative predictive value of 95%. In summary, the available evidence is currently insufficient to determine the role of this variant in disease. Therefore, it has been classified as a Variant of Uncertain Significance.

All of Us Research Program, National Institutes of Health
Classification: Uncertain significance for Classic or attenuated familial adenomatous polyposis. Last evaluated: 2023-12-13. Review status: criteria provided, single submitter. Criteria: ACMG Guidelines, 2015. Collection method: clinical testing. Allele origin: germline. Inheritance: Autosomal dominant inheritance. Observed: 1 variant allele, 1 heterozygote.
Comment: This missense variant replaces serine with glycine at codon 644 of the APC protein. Computational prediction is inconclusive regarding the impact of this variant on protein structure and function (internally defined REVEL score threshold 0.5 < inconclusive < 0.7, PMID: 27666373). To our knowledge, functional studies have not been reported for this variant. This variant has not been reported in individuals affected with APC-related disorders in the literature. This variant has not been identified in the general population by the Genome Aggregation Database (gnomAD). The available evidence is insufficient to determine the role of this variant in disease conclusively. Therefore, this variant is classified as a Variant of Uncertain Significance.

This study involves interpretation of variants in research participants for the purpose of population health screening. Participant phenotype was not available at the time of variant classification. Additional details can be found in publication PMID: 35346344, PMCID: PMC8962531

Ambry Genetics
Classification: Uncertain significance for Hereditary cancer-predisposing syndrome. Last evaluated: 2022-07-17. Review status: criteria provided, single submitter. Criteria: Ambry Variant Classification Scheme 2023. Collection method: clinical testing. Allele origin: germline.
Comment: The p.S644G variant (also known as c.1930A>G), located in coding exon 14 of the APC gene, results from an A to G substitution at nucleotide position 1930. The serine at codon 644 is replaced by glycine, an amino acid with similar properties. This amino acid position is conserved. In addition, in silico predictors for this gene do not accurately predict pathogenicity. Since supporting evidence is limited at this time, the clinical significance of this alteration remains unclear.